The following is an entry in ClinVar:

NM_015978.3(TNNI3K):c.806A>G (p.Tyr269Cys)

Genes: FPGT-TNNI3K (FPGT-TNNI3K readthrough; plus strand), TNNI3K (TNNI3 interacting kinase; plus strand). Cytogenetic location: 1p31.1.
Variant type: single nucleotide variant.
Coding change: c.806A>G on transcript NM_015978.3 (MANE Select); coding-DNA position 806, A replaced by G.
Protein change: p.Tyr269Cys; replaces tyrosine 269 with cysteine.
Molecular consequence: missense variant.
Genome position (GRCh38, 1-based): chr1:74,342,965, A>G. VCF-style: chr1-74342965-A-G. GRCh37 (hg19) VCF-style: chr1-74808649-A-G.
Other names: c.1109A>G, p.Tyr370Cys (NM_001112808.3, NM_001199327.2); short protein forms Y370C, Y269C.
Identifiers: ClinVar variation 2014079 (VCV002014079.4), dbSNP rs2524361477, ClinGen allele CA340781905.
Genomic context (GRCh38, chr1:74,342,965, plus strand): 5'-ATATAGTTAAGTATCTGCTGCAAAGTGATTTGGAAGTTCAACCTCATGTTGTTAATATCT[A>G]TGGAGATACCCCCTTACACCTGTGAGTATTATGTAGCATTCCATAGGTTCTCCAGGTATA-3'
Protein context (NP_057062.1, residues 259-279): LEVQPHVVNI[Tyr269Cys]GDTPLHLACY

ClinVar aggregate classification (germline): Uncertain significance (1 of 4 stars; one submission).

Allele frequency attached by ClinVar (database versions not stated): gnomAD exomes 0.00001.
gnomAD v4.1: 3 of 1,613,882 alleles (0.00019%); highest among the groups gnomAD compares: South Asian, 0.0011%; no homozygotes.

Submission:

Labcorp Genetics (formerly Invitae), Labcorp
Classification: Uncertain significance. Last evaluated: 2023-02-21. Review status: criteria provided, single submitter. Criteria: Invitae Variant Classification Sherloc (09022015). Collection method: clinical testing. Allele origin: germline.
Comment: In summary, the available evidence is currently insufficient to determine the role of this variant in disease. Therefore, it has been classified as a Variant of Uncertain Significance. Advanced modeling of protein sequence and biophysical properties (such as structural, functional, and spatial information, amino acid conservation, physicochemical variation, residue mobility, and thermodynamic stability) has been performed at Invitae for this missense variant, however the output from this modeling did not meet the statistical confidence thresholds required to predict the impact of this variant on TNNI3K protein function. This variant has not been reported in the literature in individuals affected with TNNI3K-related conditions. This variant is not present in population databases (gnomAD no frequency). This sequence change replaces tyrosine, which is neutral and polar, with cysteine, which is neutral and slightly polar, at codon 269 of the TNNI3K protein (p.Tyr269Cys).